The following is an entry in ClinVar:

ClinVar aggregate classification (germline): Conflicting classifications of pathogenicity. Review status: criteria provided, conflicting classifications (1 of 4 stars). 7 submissions from 7 submitters: Uncertain significance (5); Likely benign (2). Last evaluated 2026-01-14.

Conditions:
BAP1-related tumor predisposition syndrome (TPDS1). Also called: BAP1 tumor predisposition syndrome; COMMON Syndrome; TUMOR PREDISPOSITION SYNDROME 1; Tumor susceptibility linked to germline BAP1 mutations. Identifiers: Orphanet 289539, MedGen C3280492, MONDO:0013692, OMIM 614327.
Hereditary cancer-predisposing syndrome. Also called: Hereditary neoplastic syndrome; Neoplastic Syndromes, Hereditary; Hereditary Cancer Syndrome; Tumor predisposition. Identifiers: Orphanet 140162, MedGen C0027672, MeSH D009386, MONDO:0015356.

Allele frequency attached by ClinVar (database versions not stated): gnomAD 0.00001; TOPMed 0.00001; gnomAD exomes 0.00002; ExAC 0.00003; ESP Exome Variant Server 0.00008.

Submissions (7):

Labcorp Genetics (formerly Invitae), Labcorp
Classification: Uncertain significance for BAP1-related tumor predisposition syndrome. Last evaluated: 2026-01-14. Review status: criteria provided, single submitter. Criteria: Invitae Variant Classification Sherloc (09022015). Collection method: clinical testing. Allele origin: germline.
Comment: This sequence change replaces tyrosine, which is neutral and polar, with cysteine, which is neutral and slightly polar, at codon 241 of the BAP1 protein (p.Tyr241Cys). This variant is present in population databases (rs367867008, gnomAD 0.007%). This missense change has been observed in individual(s) with melanoma (PMID: 38833603). ClinVar contains an entry for this variant (Variation ID: 489642). Invitae Evidence Modeling of protein sequence and biophysical properties (such as structural, functional, and spatial information, amino acid conservation, physicochemical variation, residue mobility, and thermodynamic stability) indicates that this missense variant is not expected to disrupt BAP1 protein function with a negative predictive value of 80%. In summary, the available evidence is currently insufficient to determine the role of this variant in disease. Therefore, it has been classified as a Variant of Uncertain Significance.

Color Diagnostics, LLC DBA Color Health
Classification: Likely benign for Hereditary cancer-predisposing syndrome. Last evaluated: 2025-12-16. Review status: criteria provided, single submitter. Criteria: ACMG Guidelines, 2015. Collection method: clinical testing. Allele origin: germline.

CeGaT Center for Human Genetics Tuebingen
Classification: Uncertain significance. Last evaluated: 2025-02-01. Review status: criteria provided, single submitter. Criteria: CeGaT Center For Human Genetics Tuebingen Variant Classification Criteria Version 2. Collection method: clinical testing. Allele origin: germline. Affected: yes. Observed: 1 variant allele.
Comment: BAP1: PP2

Ambry Genetics
Classification: Uncertain significance for Hereditary cancer-predisposing syndrome. Last evaluated: 2024-08-28. Review status: criteria provided, single submitter. Criteria: Ambry Variant Classification Scheme 2023. Collection method: clinical testing. Allele origin: germline.
Comment: The p.Y241C variant (also known as c.722A>G), located in coding exon 9 of the BAP1 gene, results from an A to G substitution at nucleotide position 722. The tyrosine at codon 241 is replaced by cysteine, an amino acid with highly dissimilar properties. This amino acid position is highly conserved in available vertebrate species. In addition, this alteration is predicted to be deleterious by in silico analysis. Since supporting evidence is limited at this time, the clinical significance of this alteration remains unclear.

GeneDx
Classification: Uncertain significance. Last evaluated: 2024-08-26. Review status: criteria provided, single submitter. Criteria: GeneDx Variant Classification Process June 2021. Collection method: clinical testing. Allele origin: germline. Affected: yes.
Comment: In silico analysis supports that this missense variant has a deleterious effect on protein structure/function; Has not been previously published as pathogenic or benign to our knowledge

Myriad Genetics, Inc.
Classification: Likely benign for BAP1-related tumor predisposition syndrome. Last evaluated: 2024-07-15. Review status: criteria provided, single submitter. Criteria: Myriad Autosomal Dominant, Autosomal Recessive and X-Linked Classification Criteria (2023). Collection method: clinical testing. Allele origin: unknown.
Comment: This variant is considered likely benign. This variant has been observed at a population frequency that is significantly greater than expected given the associated disease prevalence and penetrance.

Baylor Genetics
Classification: Uncertain significance for BAP1-related tumor predisposition syndrome. Last evaluated: 2023-08-22. Review status: criteria provided, single submitter. Criteria: ACMG Guidelines, 2015. Collection method: clinical testing. Allele origin: unknown.

Literature cited by the submitters: PubMed 38833603 (cited by Labcorp Genetics (formerly Invitae), Labcorp).

NM_004656.4(BAP1):c.722A>G (p.Tyr241Cys)

Gene: BAP1 (BRCA1 associated deubiquitinase 1; minus strand). Cytogenetic location: 3p21.1.
Variant type: single nucleotide variant.
Coding change: c.722A>G on transcript NM_004656.4 (MANE Select); coding-DNA position 722, A replaced by G.
Protein change: p.Tyr241Cys; replaces tyrosine 241 with cysteine.
Molecular consequence: missense variant.
Genome position (GRCh38, 1-based): chr3:52,406,314, T>C on the plus strand (A>G on the coding strand, the complement: BAP1 is on the minus strand). VCF-style: chr3-52406314-T-C. GRCh37 (hg19) VCF-style: chr3-52440330-T-C.
Other names: c.722A>G (LRG_529t1); short protein forms Y241C.
Identifiers: ClinVar variation 489642 (VCV000489642.42), dbSNP rs367867008, ClinGen allele CA2437014.